The following is an entry in ClinVar:

NM_000135.4(FANCA):c.2610C>A (p.Phe870Leu)

Genes: FANCA (FA complementation group A; minus strand), LOC130059837 (ATAC-STARR-seq lymphoblastoid active region 11420; plus strand). Cytogenetic location: 16q24.3.
Variant type: single nucleotide variant.
Coding change: c.2610C>A on transcript NM_000135.4 (MANE Select); coding-DNA position 2610, C replaced by A.
Protein change: p.Phe870Leu; replaces phenylalanine 870 with leucine.
Molecular consequence: missense variant.
Genome position (GRCh38, 1-based): chr16:89,765,058, G>T on the plus strand (C>A on the coding strand, the complement: FANCA is on the minus strand). VCF-style: chr16-89765058-G-T. GRCh37 (hg19) VCF-style: chr16-89831466-G-T.
Other names: c.2610C>A, p.Phe870Leu (NM_001286167.3); short protein forms F870L.
Identifiers: ClinVar variation 4254293 (VCV004254293.1).

ClinVar aggregate classification (germline): Uncertain significance (1 of 4 stars; one submission).

Conditions:
Inborn genetic diseases. Identifiers: MedGen C0950123, MeSH D030342.

gnomAD v4.1: 1 of 1,614,022 alleles (0.000062%); highest among the groups gnomAD compares: Admixed American, 0.0017%; no homozygotes.

Submission:

Ambry Genetics
Classification: Uncertain significance for Inborn genetic diseases. Last evaluated: 2025-08-15. Review status: criteria provided, single submitter. Criteria: Ambry Variant Classification Scheme 2023. Collection method: clinical testing. Allele origin: germline.
Comment: The p.F870L variant (also known as c.2610C>A), located in coding exon 28 of the FANCA gene, results from a C to A substitution at nucleotide position 2610. The phenylalanine at codon 870 is replaced by leucine, an amino acid with highly similar properties. This amino acid position is conserved. In addition, the in silico prediction for this alteration is inconclusive. Based on the available evidence, the clinical significance of this variant remains unclear.